The following is an entry in ClinVar:

NM_001013838.3(CARMIL2):c.4257_4259dup (p.Arg1419dup)

Gene: CARMIL2 (capping protein regulator and myosin 1 linker 2; plus strand). Cytogenetic location: 16q22.1.
Variant type: Duplication.
Coding change: c.4257_4259dup on transcript NM_001013838.3 (MANE Select); coding-DNA positions 4257 to 4259, 3 bases duplicated (GAG; older notation c.4257_4259dupGAG).
Protein change: p.Arg1419dup; duplicates arginine 1419.
Molecular consequence: inframe insertion.
Genome position (GRCh38, 1-based): chr16:67,657,467-67,657,469, GAG duplicated; duplicating any 3 consecutive bases within chr16:67,657,466-67,657,469 gives the same sequence; the c. name uses the placement nearest the transcript's 3' end. VCF-style (leftmost placement, unchanged base first): chr16-67657465-C-CGGA. GRCh37 (hg19) VCF-style: chr16-67691368-C-CGGA.
Other names: c.4068_4070dup, p.Arg1356dup (NM_001317026.3).
Identifiers: ClinVar variation 1477525 (VCV001477525.3), dbSNP rs755977521, ClinGen allele CA8114313.
Genomic context (GRCh38, chr16:67,657,465, plus strand): 5'-GGATCTGGCCTTGGAACCGAGCCTCTGCCCCCACAGCCCACAGAGCCCTCCAGCCCTGAG[C>CGGA]GGAGCCCACCCTCCCCAGCCACAGACCAAAGAGGCGGCGGCCCCAATCCCTGATCCTCTC-3'

ClinVar aggregate classification (germline): Uncertain significance (1 of 4 stars; one submission).

Submission:

Labcorp Genetics (formerly Invitae), Labcorp
Classification: Uncertain significance. Last evaluated: 2022-08-19. Review status: criteria provided, single submitter. Criteria: Invitae Variant Classification Sherloc (09022015). Collection method: clinical testing. Allele origin: germline.
Comment: This variant, c.4257_4259dup, results in the insertion of 1 amino acid(s) of the CARMIL2 protein (p.Arg1419dup), but otherwise preserves the integrity of the reading frame. This variant is present in population databases (rs755977521, gnomAD no frequency). This variant has not been reported in the literature in individuals affected with CARMIL2-related conditions. ClinVar contains an entry for this variant (Variation ID: 1477525). Experimental studies and prediction algorithms are not available or were not evaluated, and the functional significance of this variant is currently unknown. In summary, the available evidence is currently insufficient to determine the role of this variant in disease. Therefore, it has been classified as a Variant of Uncertain Significance.